The following is an entry in ClinVar:

NM_024753.5(TTC21B):c.940G>A (p.Glu314Lys)

Gene: TTC21B (tetratricopeptide repeat domain 21B; minus strand). Cytogenetic location: 2q24.3.
Variant type: single nucleotide variant.
Coding change: c.940G>A on transcript NM_024753.5 (MANE Select); coding-DNA position 940, G replaced by A.
Protein change: p.Glu314Lys; replaces glutamic acid 314 with lysine.
Molecular consequence: missense variant.
Genome position (GRCh38, 1-based): chr2:165,930,319, C>T on the plus strand (G>A on the coding strand, the complement: TTC21B is on the minus strand). VCF-style: chr2-165930319-C-T. GRCh37 (hg19) VCF-style: chr2-166786829-C-T.
Other names: c.940G>A (NM_024753.4, NM_024753.3); short protein forms E314K.
Identifiers: ClinVar variation 1963588 (VCV001963588.8), dbSNP rs750750865, ClinGen allele CA1942280.

ClinVar aggregate classification (germline): Uncertain significance. Review status: criteria provided, multiple submitters, no conflicts (2 of 4 stars). 4 submissions from 4 submitters: Uncertain significance (4). Last evaluated 2026-07-06.

Conditions:
TTC21B-related disorder. Also called: TTC21B-related condition; TTC21B-related disorders.
Inborn genetic diseases. Identifiers: MedGen C0950123, MeSH D030342.
Jeune thoracic dystrophy. Also called: Jeune syndrome; Infantile thoracic dystrophy; Thoracic pelvic phalangeal dystrophy; Jeune's syndrome; Chondroectodermal dysplasia-like syndrome; Short-rib thoracic dysplasia. Identifiers: Orphanet 474, MedGen C0265275, MONDO:0018770.
Nephronophthisis. Also called: Juvenile Nephronophthisis. Identifiers: Orphanet 655, MedGen C0687120, MONDO:0019005, HP:0000090.
Nephronophthisis 12 (NPHP12). Identifiers: Orphanet 655, MedGen C3151186, MONDO:0013442, OMIM 613820.
Asphyxiating thoracic dystrophy 4 (SRTD4). Also called: SHORT-RIB THORACIC DYSPLASIA 4 WITH OR WITHOUT POLYDACTYLY; SHORT-RIB THORACIC DYSPLASIA 4. Identifiers: Orphanet 474, MedGen C3151185, MONDO:0013441, OMIM 613819.

Allele frequency attached by ClinVar (database versions not stated): gnomAD 0.00005; ExAC 0.00023.
gnomAD v4.1: 176 of 1,612,354 alleles (0.011%); highest among the groups gnomAD compares: Non-Finnish European, 0.015%; no homozygotes.

Submissions (4):

PreventionGenetics, part of Exact Sciences
Classification: Uncertain significance for TTC21B-related condition. Last evaluated: 2026-07-06. Review status: criteria provided, single submitter. Criteria: ACMG Guidelines, 2015. Collection method: clinical testing. Allele origin: germline.
Comment: The TTC21B c.940G>A variant is predicted to result in the amino acid substitution p.Glu314Lys. To our knowledge, this variant has not been reported in the literature. This variant is reported in 0.034% of alleles in individuals of European (Non-Finnish) descent in gnomAD. At this time, the clinical significance of this variant is uncertain due to the absence of conclusive functional and genetic evidence.

Fulgent Genetics
Classification: Uncertain significance for Asphyxiating thoracic dystrophy 4; Nephronophthisis 12. Last evaluated: 2024-04-02. Review status: criteria provided, single submitter. Criteria: ACMG Guidelines, 2015. Collection method: clinical testing. Allele origin: germline.

Labcorp Genetics (formerly Invitae), Labcorp
Classification: Uncertain significance for Jeune thoracic dystrophy; Nephronophthisis. Last evaluated: 2023-12-11. Review status: criteria provided, single submitter. Criteria: Invitae Variant Classification Sherloc (09022015). Collection method: clinical testing. Allele origin: germline.
Comment: This sequence change replaces glutamic acid, which is acidic and polar, with lysine, which is basic and polar, at codon 314 of the TTC21B protein (p.Glu314Lys). This variant is present in population databases (rs750750865, gnomAD 0.04%). This variant has not been reported in the literature in individuals affected with TTC21B-related conditions. ClinVar contains an entry for this variant (Variation ID: 1963588). Advanced modeling of protein sequence and biophysical properties (such as structural, functional, and spatial information, amino acid conservation, physicochemical variation, residue mobility, and thermodynamic stability) performed at Invitae indicates that this missense variant is not expected to disrupt TTC21B protein function with a negative predictive value of 95%. In summary, the available evidence is currently insufficient to determine the role of this variant in disease. Therefore, it has been classified as a Variant of Uncertain Significance.

Ambry Genetics
Classification: Uncertain significance for Inborn genetic diseases. Last evaluated: 2023-08-20. Review status: criteria provided, single submitter. Criteria: Ambry Variant Classification Scheme 2023. Collection method: clinical testing. Allele origin: germline.